The following is an entry in ClinVar:

NM_205836.3(FBXO38):c.2432C>T (p.Thr811Met)

Gene: FBXO38 (F-box protein 38; plus strand). Cytogenetic location: 5q32.
Variant type: single nucleotide variant.
Coding change: c.2432C>T on transcript NM_205836.3 (MANE Select); coding-DNA position 2432, C replaced by T.
Protein change: p.Thr811Met; replaces threonine 811 with methionine.
Molecular consequence: missense variant. On other transcripts: intron variant (2).
Genome position (GRCh38, 1-based): chr5:148,427,726, C>T. VCF-style: chr5-148427726-C-T. GRCh37 (hg19) VCF-style: chr5-147807289-C-T.
Other names: c.2428+4C>T (NM_030793.5); c.1918+2025C>T (NM_001271723.2); short protein forms T811M.
Identifiers: ClinVar variation 1791180 (VCV001791180.5), dbSNP rs540705586, ClinGen allele CA128950186.

ClinVar aggregate classification (germline): Uncertain significance. Review status: criteria provided, multiple submitters, no conflicts (2 of 4 stars). 2 submissions from 2 submitters: Uncertain significance (2). Last evaluated 2023-10-14.

Conditions:
Distal hereditary motor neuropathy type 2. Identifiers: Orphanet 139525, MedGen C3711384, MeSH C580044, MONDO:0015352.

Allele frequency attached by ClinVar (database versions not stated): TOPMed below 0.00001.
gnomAD v4.1: 10 of 1,613,994 alleles (0.00062%); highest among the groups gnomAD compares: South Asian, 0.0011%; no homozygotes.

Submissions (2):

Labcorp Genetics (formerly Invitae), Labcorp
Classification: Uncertain significance for Distal hereditary motor neuropathy type 2. Last evaluated: 2023-10-14. Review status: criteria provided, single submitter. Criteria: Invitae Variant Classification Sherloc (09022015). Collection method: clinical testing. Allele origin: germline.
Comment: This sequence change falls in intron 15 of the FBXO38 gene. It does not directly change the encoded amino acid sequence of the FBXO38 protein. It affects a nucleotide within the consensus splice site. This variant is not present in population databases (gnomAD no frequency). This variant has not been reported in the literature in individuals affected with FBXO38-related conditions. ClinVar contains an entry for this variant (Variation ID: 1791180). Variants that disrupt the consensus splice site are a relatively common cause of aberrant splicing (PMID: 17576681, 9536098). Algorithms developed to predict the effect of sequence changes on RNA splicing suggest that this variant is not likely to affect RNA splicing. In summary, the available evidence is currently insufficient to determine the role of this variant in disease. Therefore, it has been classified as a Variant of Uncertain Significance.

Ambry Genetics
Classification: Uncertain significance. Last evaluated: 2020-02-20. Review status: criteria provided, single submitter. Criteria: Ambry Variant Classification Scheme 2023. Collection method: clinical testing. Allele origin: germline.
Comment: The p.T811M variant (also known as c.2432C>T), located in coding exon 14 of the FBXO38 gene, results from a C to T substitution at nucleotide position 2432. The threonine at codon 811 is replaced by methionine, an amino acid with similar properties. This amino acid position is not well conserved in available vertebrate species. In addition, this alteration is predicted to be tolerated by in silico analysis. Since supporting evidence is limited at this time, the clinical significance of this alteration remains unclear.

Literature cited by the submitters: PubMed 17576681 (cited by Labcorp Genetics (formerly Invitae), Labcorp); PubMed 9536098 (cited by Labcorp Genetics (formerly Invitae), Labcorp).